The following is an entry in ClinVar:

ClinVar aggregate classification (germline): Uncertain significance (1 of 4 stars; one submission).

Allele frequency attached by ClinVar (database versions not stated): gnomAD exomes below 0.00001; gnomAD 0.00001; TOPMed 0.00001; ExAC 0.00002.

Submission:

GeneDx
Classification: Uncertain significance. Last evaluated: 2022-05-06. Review status: criteria provided, single submitter. Criteria: GeneDx Variant Classification Process June 2021. Collection method: clinical testing. Allele origin: germline. Affected: yes.
Comment: Not observed at significant frequency in large population cohorts (gnomAD); In silico analysis supports that this missense variant does not alter protein structure/function; Has not been previously published as pathogenic or benign to our knowledge

NM_006059.4(LAMC3):c.457G>A (p.Ala153Thr)

Gene: LAMC3 (laminin subunit gamma 3; plus strand). Cytogenetic location: 9q34.12.
Variant type: single nucleotide variant.
Coding change: c.457G>A on transcript NM_006059.4 (MANE Select); coding-DNA position 457, G replaced by A.
Protein change: p.Ala153Thr; replaces alanine 153 with threonine.
Molecular consequence: missense variant.
Genome position (GRCh38, 1-based): chr9:131,026,368, G>A. VCF-style: chr9-131026368-G-A. GRCh37 (hg19) VCF-style: chr9-133901755-G-A.
Other names: short protein forms A153T.
Identifiers: ClinVar variation 1723100 (VCV001723100.2), dbSNP rs766907964, ClinGen allele CA5286696.